The following is an entry in ClinVar:

NM_031907.3(USP26):c.822C>T (p.Asp274=)

Gene: USP26 (ubiquitin specific peptidase 26; minus strand). Cytogenetic location: Xq26.2.
Variant type: single nucleotide variant.
Coding change: c.822C>T on transcript NM_031907.3 (MANE Select); coding-DNA position 822, C replaced by T.
Protein change: p.Asp274=; no amino-acid change (aspartic acid 274 retained).
Molecular consequence: synonymous variant.
Genome position (GRCh38, 1-based): chrX:133,027,399, G>A on the plus strand (C>T on the coding strand, the complement: USP26 is on the minus strand). VCF-style: chrX-133027399-G-A. GRCh37 (hg19) VCF-style: chrX-132161427-G-A.
Identifiers: ClinVar variation 718406 (VCV000718406.7), dbSNP rs73564230, ClinGen allele CA10519960.

ClinVar aggregate classification (germline): Benign. Review status: criteria provided, multiple submitters, no conflicts (2 of 4 stars). 3 submissions from 3 submitters: Benign (2). 1 of the submissions does not count toward it. Last evaluated 2019-12-31.

Conditions:
USP26-related disorder. Also called: USP26-related condition.

Allele frequency attached by ClinVar (database versions not stated): gnomAD exomes 0.00438; ExAC 0.00562; gnomAD 0.01575 and 0.01681; TOPMed 0.01787; 1000 Genomes Project 0.01801; 1000 Genomes Project 30x 0.01894; ESP Exome Variant Server 0.02035.

Submissions (3):

Labcorp Genetics (formerly Invitae), Labcorp
Classification: Benign. Last evaluated: 2019-12-31. Review status: criteria provided, single submitter. Criteria: Invitae Variant Classification Sherloc (09022015). Collection method: clinical testing. Allele origin: germline.

Breakthrough Genomics
Classification: Benign. Review status: criteria provided, single submitter. Criteria: ACMG Guidelines, 2015. Collection method: not provided. Allele origin: germline. Inheritance: Unknown mechanism. Affected: yes.

PreventionGenetics, part of Exact Sciences
Classification: Benign for USP26-related condition. Last evaluated: 2019-09-12. Review status: no assertion criteria provided. Collection method: clinical testing. Allele origin: germline. Not counted in ClinVar's aggregate classification.
Comment: This variant is classified as benign based on ACMG/AMP sequence variant interpretation guidelines (Richards et al. 2015 PMID: 25741868, with internal and published modifications).